The following is an entry in ClinVar:

ClinVar aggregate classification (germline): Pathogenic. Review status: no assertion criteria provided (0 of 4 stars). 2 submissions from 2 submitters: Pathogenic (1). 1 of the submissions does not count toward it. Last evaluated 2001-03-01.

Conditions:
Congenital erythropoietic porphyria. Also called: UROPORPHYRINOGEN III SYNTHASE DEFICIENCY; Porphyria, Erythropoietic; Congenital porphyria; Günther disease; Uroporphyrinogen III synthase, deficiency of; Cutaneous porphyria. Identifiers: Orphanet 79277, MedGen C5886774, MONDO:0009902, OMIM 263700.

Allele frequency attached by ClinVar (database versions not stated): gnomAD 0.00001 and 0.00002; TOPMed 0.00001; 1000 Genomes Project 30x 0.00016.

Submissions (2):

OMIM
Classification: Pathogenic for PORPHYRIA, CONGENITAL ERYTHROPOIETIC. Last evaluated: 2001-03-01. Review status: no assertion criteria provided. Collection method: literature only. Allele origin: germline.

GeneReviews
No classification provided. Condition: Congenital erythropoietic porphyria. Review status: no classification provided. Collection method: literature only. Allele origin: germline. Not counted in ClinVar's aggregate classification.
Comment: Pathogenic variants in the erythroid-specific promoter region 2

Literature cited by the submitters: PubMed 11254675 (cited by OMIM); NCBI Bookshelf NBK154652 (cited by GeneReviews).

NM_000375.3(UROS):c.-203T>C

Gene: UROS (uroporphyrinogen III synthase; minus strand). Cytogenetic location: 10q26.2.
Variant type: single nucleotide variant.
Coding change: c.-203T>C on transcript NM_000375.3 (MANE Select); 203 bases upstream of the start codon, T replaced by C.
Molecular consequence: 5 prime UTR variant. On other transcripts: non-coding transcript variant (4).
Genome position (GRCh38, 1-based): chr10:125,823,205, A>G on the plus strand (T>C on the coding strand, the complement: UROS is on the minus strand). VCF-style: chr10-125823205-A-G. GRCh37 (hg19) VCF-style: chr10-127511774-A-G.
Other names: -70T-C; c.-203T>C (NM_001324036.2, NM_001324037.2, NM_001324038.2 and 1 more transcripts).
Identifiers: ClinVar variation 3762 (VCV000003762.4), dbSNP rs1554891988, ClinGen allele CA358883.